The following is an entry in ClinVar:

NM_004990.4(MARS1):c.2552_2556del (p.Lys851fs)

Gene: MARS1 (methionyl-tRNA synthetase 1; plus strand). Cytogenetic location: 12q13.3.
Variant type: Deletion.
Coding change: c.2552_2556del on transcript NM_004990.4 (MANE Select); coding-DNA positions 2552 to 2556, 5 bases deleted (AACAA; older notation c.2552_2556delAACAA).
Protein change: p.Lys851fs; shifts the reading frame from lysine 851.
Molecular consequence: frameshift variant.
Genome position (GRCh38, 1-based): chr12:57,516,333-57,516,337, AACAA deleted; deleting any 5 consecutive bases within chr12:57,516,329-57,516,337 gives the same sequence; the c. name uses the placement nearest the transcript's 3' end. VCF-style (leftmost placement, unchanged base first): chr12-57516328-GACAAA-G. GRCh37 (hg19) VCF-style: chr12-57910111-GACAAA-G.
Other names: short protein forms K851fs.
Identifiers: ClinVar variation 4792531 (VCV004792531.1).

ClinVar aggregate classification (germline): Uncertain significance (1 of 4 stars; one submission).

Conditions:
Severe early-onset pulmonary alveolar proteinosis due to MARS deficiency. Also called: PULMONARY ALVEOLAR PROTEINOSIS, REUNION ISLAND; Interstitial lung and liver disease. Identifiers: Orphanet 440427, MedGen C4225400, MONDO:0014206, OMIM 615486.
Charcot-Marie-Tooth disease axonal type 2U. Also called: CHARCOT-MARIE-TOOTH NEUROPATHY, TYPE 2U; CHARCOT-MARIE-TOOTH DISEASE, AXONAL, AUTOSOMAL DOMINANT, TYPE 2U. Identifiers: Orphanet 397735, MedGen C4084821, MONDO:0014566, OMIM 616280.

Submission:

Labcorp Genetics (formerly Invitae), Labcorp
Classification: Uncertain significance for Charcot-Marie-Tooth disease axonal type 2U; Severe early-onset pulmonary alveolar proteinosis due to MARS deficiency. Last evaluated: 2025-10-29. Review status: criteria provided, single submitter. Criteria: Invitae Variant Classification Sherloc (09022015). Collection method: clinical testing. Allele origin: germline.
Comment: This sequence change creates a premature translational stop signal (p.Lys851Argfs*35) in the MARS gene. While this is not anticipated to result in nonsense mediated decay, it is expected to disrupt the last 50 amino acid(s) of the MARS protein. This variant is not present in population databases (gnomAD no frequency). This variant has not been reported in the literature in individuals affected with MARS-related conditions. Experimental studies and prediction algorithms are not available or were not evaluated, and the functional significance of this variant is currently unknown. In summary, the available evidence is currently insufficient to determine the role of this variant in disease. Therefore, it has been classified as a Variant of Uncertain Significance.